The following is an entry in ClinVar:

ClinVar aggregate classification (germline): Uncertain significance (1 of 4 stars; one submission).

Conditions:
Spermatogenic failure 18. Identifiers: MedGen C4539783, MONDO:0054615, OMIM 617576.
Ciliary dyskinesia, primary, 37 (CILD37). Also called: CILIARY DYSKINESIA, PRIMARY, 37, WITH OR WITHOUT SITUS INVERSUS. Identifiers: MedGen C4539798, MONDO:0033204, OMIM 617577.

Allele frequency attached by ClinVar (database versions not stated): gnomAD exomes below 0.00001; ExAC 0.00001.
gnomAD v4.1: 5 of 1,613,444 alleles (0.00031%); highest among the groups gnomAD compares: African/African-American, 0.0067%; no homozygotes.

Submission:

Labcorp Genetics (formerly Invitae), Labcorp
Classification: Uncertain significance for Ciliary dyskinesia, primary, 37; Spermatogenic failure 18. Last evaluated: 2022-02-03. Review status: criteria provided, single submitter. Criteria: Invitae Variant Classification Sherloc (09022015). Collection method: clinical testing. Allele origin: germline.
Comment: Algorithms developed to predict the effect of missense changes on protein structure and function are either unavailable or do not agree on the potential impact of this missense change (SIFT: "Deleterious"; PolyPhen-2: "Probably Damaging"; Align-GVGD: "Class C0"). In summary, the available evidence is currently insufficient to determine the role of this variant in disease. Therefore, it has been classified as a Variant of Uncertain Significance. Algorithms developed to predict the effect of sequence changes on RNA splicing suggest that this variant may create or strengthen a splice site. ClinVar contains an entry for this variant (Variation ID: 944790). This variant has not been reported in the literature in individuals affected with DNAH1-related conditions. This variant is present in population databases (rs750043127, gnomAD 0.007%). This sequence change replaces glycine, which is neutral and non-polar, with valine, which is neutral and non-polar, at codon 3403 of the DNAH1 protein (p.Gly3403Val).

NM_015512.5(DNAH1):c.10208G>T (p.Gly3403Val)

Gene: DNAH1 (dynein axonemal heavy chain 1; plus strand). Cytogenetic location: 3p21.1.
Variant type: single nucleotide variant.
Coding change: c.10208G>T on transcript NM_015512.5 (MANE Select); coding-DNA position 10208, G replaced by T.
Protein change: p.Gly3403Val; replaces glycine 3403 with valine.
Molecular consequence: missense variant.
Genome position (GRCh38, 1-based): chr3:52,392,619, G>T. VCF-style: chr3-52392619-G-T. GRCh37 (hg19) VCF-style: chr3-52426635-G-T.
Other names: short protein forms G3403V.
Identifiers: ClinVar variation 944790 (VCV000944790.7), dbSNP rs750043127, ClinGen allele CA2435735.